The following is an entry in ClinVar:

ClinVar aggregate classification (germline): Likely benign (1 of 4 stars; one submission).

Allele frequency attached by ClinVar (database versions not stated): gnomAD exomes below 0.00001; gnomAD 0.00002.
gnomAD v4.1: 4 of 515,168 alleles (0.00078%); highest among the groups gnomAD compares: African/African-American, 0.0097%; no homozygotes.

Submission:

CeGaT Center for Human Genetics Tuebingen
Classification: Likely benign. Last evaluated: 2022-06-01. Review status: criteria provided, single submitter. Criteria: CeGaT Center For Human Genetics Tuebingen Variant Classification Criteria Version 2. Collection method: clinical testing. Allele origin: germline. Affected: yes. Observed: 1 variant allele.
Comment: COL4A2-AS2: BP4, BP7

NM_001846.4(COL4A2):c.1340-101T>G

Genes: COL4A2 (collagen type IV alpha 2 chain; plus strand), COL4A2-AS2 (COL4A2 antisense RNA 2; minus strand). Cytogenetic location: 13q34.
Variant type: single nucleotide variant.
Coding change: c.1340-101T>G on transcript NM_001846.4 (MANE Select); 101 bases into the intron before coding-DNA position 1340, T replaced by G.
Molecular consequence: intron variant. On other transcripts: non-coding transcript variant (1).
Genome position (GRCh38, 1-based): chr13:110,457,242, T>G. VCF-style: chr13-110457242-T-G. GRCh37 (hg19) VCF-style: chr13-111109589-T-G.
Identifiers: ClinVar variation 2643950 (VCV002643950.24), dbSNP rs1348230582, ClinGen allele CA484796131.